The following is an entry in ClinVar:

ClinVar aggregate classification (germline): Uncertain significance (1 of 4 stars; one submission).

gnomAD v4.1: 1 of 1,614,072 alleles (0.000062%); no homozygotes.

Submission:

GeneDx
Classification: Uncertain significance. Last evaluated: 2022-12-05. Review status: criteria provided, single submitter. Criteria: GeneDx Variant Classification Process June 2021. Collection method: clinical testing. Allele origin: germline. Affected: yes.
Comment: Not observed at significant frequency in large population cohorts (gnomAD); In silico analysis supports that this missense variant does not alter protein structure/function; Has not been previously published as pathogenic or benign to our knowledge

NM_001020658.2(PUM1):c.1921G>A (p.Ala641Thr)

Gene: PUM1 (pumilio RNA binding family member 1; minus strand). Cytogenetic location: 1p35.2.
Variant type: single nucleotide variant.
Coding change: c.1921G>A on transcript NM_001020658.2 (MANE Select); coding-DNA position 1921, G replaced by A.
Protein change: p.Ala641Thr; replaces alanine 641 with threonine.
Molecular consequence: missense variant.
Genome position (GRCh38, 1-based): chr1:30,966,147, C>T on the plus strand (G>A on the coding strand, the complement: PUM1 is on the minus strand). VCF-style: chr1-30966147-C-T. GRCh37 (hg19) VCF-style: chr1-31438994-C-T.
Other names: c.1921G>A, p.Ala641Thr (NM_014676.3); short protein forms A641T.
Identifiers: ClinVar variation 2505832 (VCV002505832.1), dbSNP rs931848468, ClinGen allele CA20109352.